The following is an entry in ClinVar:

NM_020184.4(CNNM4):c.43G>T (p.Ala15Ser)

Gene: CNNM4 (cyclin and CBS domain divalent metal cation transport mediator 4; plus strand). Cytogenetic location: 2q11.2.
Variant type: single nucleotide variant.
Coding change: c.43G>T on transcript NM_020184.4 (MANE Select); coding-DNA position 43, G replaced by T.
Protein change: p.Ala15Ser; replaces alanine 15 with serine.
Molecular consequence: missense variant.
Genome position (GRCh38, 1-based): chr2:96,761,042, G>T. VCF-style: chr2-96761042-G-T. GRCh37 (hg19) VCF-style: chr2-97426779-G-T.
Other names: short protein forms A15S.
Identifiers: ClinVar variation 957927 (VCV000957927.6), dbSNP rs1252340810, ClinGen allele CA347710495.
Genomic context (GRCh38, chr2:96,761,042, plus strand): 5'-CGGCAGAGCCAGAGCAACATGGCGCCGGTGGGCGGGGGCGGGCGCCCGGTCGGCGGACCG[G>T]CCCGCGGGCGCCTCCTCCTGGCGGCGCCGGTGCTGCTGGTGCTGCTGTGGGCGCTGGGGG-3'
Protein context (NP_064569.3, residues 5-25): GGGGRPVGGP[Ala15Ser]RGRLLLAAPV

ClinVar aggregate classification (germline): Uncertain significance (1 of 4 stars; one submission).

Allele frequency attached by ClinVar (database versions not stated): TOPMed 0.00002.

Submission:

Labcorp Genetics (formerly Invitae), Labcorp
Classification: Uncertain significance. Last evaluated: 2024-11-11. Review status: criteria provided, single submitter. Criteria: Invitae Variant Classification Sherloc (09022015). Collection method: clinical testing. Allele origin: germline.
Comment: This sequence change replaces alanine, which is neutral and non-polar, with serine, which is neutral and polar, at codon 15 of the CNNM4 protein (p.Ala15Ser). The frequency data for this variant in the population databases is considered unreliable, as metrics indicate insufficient coverage at this position in the gnomAD database. This variant has not been reported in the literature in individuals affected with CNNM4-related conditions. ClinVar contains an entry for this variant (Variation ID: 957927). Experimental studies and prediction algorithms are not available or were not evaluated, and the functional significance of this variant is currently unknown. In summary, the available evidence is currently insufficient to determine the role of this variant in disease. Therefore, it has been classified as a Variant of Uncertain Significance.